The following is an entry in ClinVar:

NM_033028.5(BBS4):c.405+6T>C

Gene: BBS4 (Bardet-Biedl syndrome 4; plus strand). Cytogenetic location: 15q24.1.
Variant type: single nucleotide variant.
Coding change: c.405+6T>C on transcript NM_033028.5 (MANE Select); 6 bases into the intron after coding-DNA position 405, T replaced by C.
Molecular consequence: intron variant.
Genome position (GRCh38, 1-based): chr15:72,716,856, T>C. VCF-style: chr15-72716856-T-C. GRCh37 (hg19) VCF-style: chr15-73009197-T-C.
Other names: c.405+6T>C (NM_001320665.2); c.-117+6T>C (NM_001252678.2).
Identifiers: ClinVar variation 841909 (VCV000841909.12), dbSNP rs926942882, ClinGen allele CA272637745.

ClinVar aggregate classification (germline): Uncertain significance. Review status: criteria provided, multiple submitters, no conflicts (2 of 4 stars). 3 submissions from 3 submitters: Uncertain significance (3). Last evaluated 2026-02-14.

Conditions:
Bardet-Biedl syndrome (BBS). Identifiers: Orphanet 110, MedGen C0752166, MONDO:0015229.
Bardet-Biedl syndrome 4 (BBS4). Identifiers: Orphanet 110, MedGen C2936864, MONDO:0014433, OMIM 615982.

Allele frequency attached by ClinVar (database versions not stated): gnomAD exomes below 0.00001; TOPMed 0.00002; gnomAD 0.00004.
gnomAD v4.1: 10 of 1,599,432 alleles (0.00063%); highest among the groups gnomAD compares: African/African-American, 0.013%; no homozygotes.

Submissions (3):

Women's Health and Genetics/Laboratory Corporation of America, LabCorp
Classification: Uncertain significance. Last evaluated: 2026-02-14. Review status: criteria provided, single submitter. Criteria: LabCorp Variant Classification Summary - May 2015. Collection method: clinical testing. Allele origin: germline.

Labcorp Genetics (formerly Invitae), Labcorp
Classification: Uncertain significance for Bardet-Biedl syndrome. Last evaluated: 2025-03-17. Review status: criteria provided, single submitter. Criteria: Invitae Variant Classification Sherloc (09022015). Collection method: clinical testing. Allele origin: germline.
Comment: This sequence change falls in intron 6 of the BBS4 gene. It does not directly change the encoded amino acid sequence of the BBS4 protein. It affects a nucleotide within the consensus splice site. This variant is present in population databases (no rsID available, gnomAD 0.01%). This variant has not been reported in the literature in individuals affected with BBS4-related conditions. ClinVar contains an entry for this variant (Variation ID: 841909). Variants that disrupt the consensus splice site are a relatively common cause of aberrant splicing (PMID: 17576681, 9536098). Algorithms developed to predict the effect of sequence changes on RNA splicing suggest that this variant is not likely to affect RNA splicing. In summary, the available evidence is currently insufficient to determine the role of this variant in disease. Therefore, it has been classified as a Variant of Uncertain Significance.

Fulgent Genetics
Classification: Uncertain significance for Bardet-Biedl syndrome 4. Last evaluated: 2024-05-16. Review status: criteria provided, single submitter. Criteria: ACMG Guidelines, 2015. Collection method: clinical testing. Allele origin: germline.

Literature cited by the submitters: PubMed 17576681 (cited by Labcorp Genetics (formerly Invitae), Labcorp); PubMed 9536098 (cited by Labcorp Genetics (formerly Invitae), Labcorp).